The following is an entry in ClinVar:

ClinVar aggregate classification (germline): Pathogenic (1 of 4 stars; one submission).

Conditions:
Familial adenomatous polyposis 1 (FAP1). Also called: FAMILIAL ADENOMATOUS POLYPOSIS 1, ATTENUATED; POLYPOSIS, ADENOMATOUS INTESTINAL. Identifiers: MedGen C2713442, MONDO:0021056, OMIM 175100. Disease mechanism: loss of function.

Submission:

Myriad Genetics, Inc.
Classification: Pathogenic for Familial adenomatous polyposis 1. Last evaluated: 2023-05-05. Review status: criteria provided, single submitter. Criteria: Myriad Autosomal Dominant, Autosomal Recessive and X-Linked Classification Criteria (2023). Collection method: clinical testing. Allele origin: unknown.
Comment: This variant is considered pathogenic. This variant creates a frameshift predicted to result in premature protein truncation.

NM_000038.6(APC):c.2797_2800del (p.Asn933fs)

Gene: APC (APC regulator of Wnt signaling pathway; plus strand). Cytogenetic location: 5q22.2.
Variant type: Deletion.
Coding change: c.2797_2800del on transcript NM_000038.6 (MANE Select); coding-DNA positions 2797 to 2800, 4 bases deleted (AACA; older notation c.2797_2800delAACA).
Protein change: p.Asn933fs; shifts the reading frame from asparagine 933.
Molecular consequence: frameshift variant. On other transcripts: non-coding transcript variant (2).
Genome position (GRCh38, 1-based): chr5:112,838,391-112,838,394, AACA deleted; deleting any 4 consecutive bases within chr5:112,838,389-112,838,394 gives the same sequence; the c. name uses the placement nearest the transcript's 3' end. VCF-style (leftmost placement, unchanged base first): chr5-112838388-TCAAA-T. GRCh37 (hg19) VCF-style: chr5-112174085-TCAAA-T.
Other names: c.2797_2800del, p.Asn933fs (NM_001127510.3, NM_001354895.2, NM_001407450.1); c.2743_2746del, p.Asn915fs (NM_001127511.3); c.2851_2854del, p.Asn951fs (NM_001354896.2, NM_001407447.1, NM_001407448.1 and 1 more transcripts); c.2827_2830del, p.Asn943fs (NM_001354897.2); c.2722_2725del, p.Asn908fs (NM_001354898.2); c.2713_2716del, p.Asn905fs (NM_001354899.2); c.2674_2677del, p.Asn892fs (NM_001354900.2); c.2620_2623del, p.Asn874fs (NM_001354901.2, NM_001407453.1); and 11 more; short protein forms N549fs, N650fs, N773fs, N804fs, N807fs, N832fs, N842fs, N850fs.
Identifiers: ClinVar variation 2583969 (VCV002583969.2), dbSNP rs2533450166, ClinGen allele CA658760831.
Genomic context (GRCh38, chr5:112,838,388, plus strand): 5'-TTACATTGTGTGACAGATGAGAGAAATGCACTTAGAAGAAGCTCTGCTGCCCATACACAT[TCAAA>T]CACTTACAATTTCACTAAGTCGGAAAATTCAAATAGGACATGTTCTATGCCTTATGCCAA-3'